The following is an entry in ClinVar:

ClinVar aggregate classification (germline): Pathogenic (1 of 4 stars; one submission).

Conditions:
Duchenne muscular dystrophy (DMD). Also called: MUSCULAR DYSTROPHY, PSEUDOHYPERTROPHIC PROGRESSIVE, DUCHENNE TYPE; Duchenne Muscular Dystrophy (DMD). Identifiers: Orphanet 98896, MedGen C0013264, MONDO:0010679, OMIM 310200.

Submission:

Labcorp Genetics (formerly Invitae), Labcorp
Classification: Pathogenic for Duchenne muscular dystrophy. Last evaluated: 2022-01-03. Review status: criteria provided, single submitter. Criteria: Invitae Variant Classification Sherloc (09022015). Collection method: clinical testing. Allele origin: germline.
Comment: For these reasons, this variant has been classified as Pathogenic. This variant has not been reported in the literature in individuals affected with DMD-related conditions. This variant is not present in population databases (gnomAD no frequency). This sequence change creates a premature translational stop signal (p.Asp2378Metfs*22) in the DMD gene. It is expected to result in an absent or disrupted protein product. Loss-of-function variants in DMD are known to be pathogenic (PMID: 16770791, 25007885).

Literature cited by the submitters: PubMed 16770791; PubMed 25007885.

NM_004006.3(DMD):c.7132del (p.Asp2378fs)

Gene: DMD (dystrophin; minus strand). Cytogenetic location: Xp21.1.
Variant type: Deletion.
Coding change: c.7132del on transcript NM_004006.3 (MANE Select); coding-DNA position 7132, one base deleted (G; older notation c.7132delG).
Protein change: p.Asp2378fs; shifts the reading frame from aspartic acid 2378.
Molecular consequence: frameshift variant. On other transcripts: 5 prime UTR variant (5).
Genome position (GRCh38, 1-based): chrX:31,836,786, C deleted on the plus strand (G on the coding strand, the reverse complement: DMD is on the minus strand); the first of 2 consecutive C bases (chrX:31,836,786-31,836,787); deleting either gives the same sequence. VCF-style (leftmost placement, unchanged base first): chrX-31836785-TC-T. GRCh37 (hg19) VCF-style: chrX-31854902-TC-T.
Other names: c.7108del, p.Asp2370fs (NM_000109.4); c.7120del, p.Asp2374fs (NM_004009.3); c.6763del, p.Asp2255fs (NM_004010.3); c.3109del, p.Asp1037fs (NM_004011.4); c.3100del, p.Asp1034fs (NM_004012.4); c.-249del (NM_004013.3, NM_004020.4, NM_004021.3 and 2 more transcripts); short protein forms D1037fs, D2370fs, D2378fs, D1034fs, D2255fs, D2374fs.
Identifiers: ClinVar variation 2072253 (VCV002072253.4), dbSNP rs2531880879, ClinGen allele CA2580100595.